The following is an entry in ClinVar:

NM_001276345.2(TNNT2):c.-14-164A>G

Gene: TNNT2 (troponin T2, cardiac type; minus strand). Cytogenetic location: 1q32.1.
Variant type: single nucleotide variant.
Coding change: c.-14-164A>G on transcript NM_001276345.2 (MANE Select); 164 bases into the intron before 14 bases upstream of the start codon, A replaced by G.
Molecular consequence: intron variant.
Genome position (GRCh38, 1-based): chr1:201,373,432, T>C on the plus strand (A>G on the coding strand, the complement: TNNT2 is on the minus strand). VCF-style: chr1-201373432-T-C. GRCh37 (hg19) VCF-style: chr1-201342560-T-C.
Other names: c.-14-164A>G (NM_001001432.3, NM_001001431.3, NM_001001430.3 and 2 more transcripts); c.-147-31A>G (NM_001276347.2).
Identifiers: ClinVar variation 672962 (VCV000672962.2), dbSNP rs12567382, ClinGen allele CA35432897.

ClinVar aggregate classification (germline): Benign. Review status: criteria provided, multiple submitters, no conflicts (2 of 4 stars). 2 submissions from 2 submitters: Benign (2). Last evaluated 2018-06-14.

Allele frequency attached by ClinVar (database versions not stated): TOPMed 0.07811; gnomAD 0.07821 and 0.07922; 1000 Genomes Project 0.11242; 1000 Genomes Project 30x 0.11493.
gnomAD v4.1: 34,888 of 685,848 alleles (5.1%); highest among the groups gnomAD compares: African/African-American, 20%; 2,161 homozygotes.

Submissions (2):

GeneDx
Classification: Benign. Last evaluated: 2018-06-14. Review status: criteria provided, single submitter. Criteria: GeneDx Variant Classification (06012015). Collection method: clinical testing. Allele origin: germline. Affected: yes.
Comment: This variant is considered likely benign or benign based on one or more of the following criteria: it is a conservative change, it occurs at a poorly conserved position in the protein, it is predicted to be benign by multiple in silico algorithms, and/or has population frequency not consistent with disease.

Breakthrough Genomics
Classification: Benign. Review status: criteria provided, single submitter. Criteria: ACMG Guidelines, 2015. Collection method: not provided. Allele origin: germline. Inheritance: Autosomal dominant inheritance. Affected: yes.